The following is an entry in ClinVar:

ClinVar aggregate classification (germline): Uncertain significance (1 of 4 stars; one submission).

gnomAD v4.1: 2 of 1,611,054 alleles (0.00012%); highest among the groups gnomAD compares: Non-Finnish European, 0.00017%; no homozygotes.

Submission:

Labcorp Genetics (formerly Invitae), Labcorp
Classification: Uncertain significance. Last evaluated: 2024-10-23. Review status: criteria provided, single submitter. Criteria: Invitae Variant Classification Sherloc (09022015). Collection method: clinical testing. Allele origin: germline.
Comment: This sequence change replaces cysteine, which is neutral and slightly polar, with tyrosine, which is neutral and polar, at codon 522 of the FOCAD protein (p.Cys522Tyr). This variant is not present in population databases (gnomAD no frequency). This variant has not been reported in the literature in individuals affected with FOCAD-related conditions. Experimental studies and prediction algorithms are not available or were not evaluated, and the functional significance of this variant is currently unknown. In summary, the available evidence is currently insufficient to determine the role of this variant in disease. Therefore, it has been classified as a Variant of Uncertain Significance.

NM_001375567.1(FOCAD):c.1565G>A (p.Cys522Tyr)

Gene: FOCAD (focadhesin; plus strand). Cytogenetic location: 9p21.3.
Variant type: single nucleotide variant.
Coding change: c.1565G>A on transcript NM_001375567.1 (MANE Select); coding-DNA position 1565, G replaced by A.
Protein change: p.Cys522Tyr; replaces cysteine 522 with tyrosine.
Molecular consequence: missense variant.
Genome position (GRCh38, 1-based): chr9:20,820,328, G>A. VCF-style: chr9-20820328-G-A. GRCh37 (hg19) VCF-style: chr9-20820327-G-A.
Other names: c.1460G>A, p.Cys487Tyr (NM_001375568.1, NM_001375570.1); c.1565G>A, p.Cys522Tyr (NM_017794.5); short protein forms C522Y, C487Y.
Identifiers: ClinVar variation 3723587 (VCV003723587.2).